The following is an entry in ClinVar:

ClinVar aggregate classification (germline): Conflicting classifications of pathogenicity. Review status: criteria provided, conflicting classifications (1 of 4 stars). 8 submissions from 8 submitters: Uncertain significance (5); Likely benign (2). 1 of the submissions does not count toward it. Last evaluated 2025-08-07.

Conditions:
Hereditary cancer-predisposing syndrome. Also called: Tumor predisposition; Neoplastic Syndromes, Hereditary; Hereditary Cancer Syndrome; Hereditary neoplastic syndrome. Identifiers: Orphanet 140162, MedGen C0027672, MeSH D009386, MONDO:0015356.
Hereditary breast ovarian cancer syndrome. Also called: Hereditary breast and ovarian cancer syndrome (HBOC); Hereditary breast and ovarian cancer syndrome; Hereditary breast and ovarian cancer; Hereditary breast and/or ovarian cancer syndrome; Breast and ovarian cancer; BRCA1- and BRCA2-Associated Hereditary Breast and Ovarian Cancer. Identifiers: Orphanet 145, MedGen C0677776, MeSH D061325, MONDO:0003582. Disease mechanism: loss of function.
Breast-ovarian cancer, familial, susceptibility to, 1 (BROVCA1). Also called: OVARIAN CANCER, SUSCEPTIBILITY TO; BRCA1 Hereditary Breast and Ovarian Cancer. Identifiers: Orphanet 145, MedGen C2676676, MONDO:0011450, OMIM 604370. Disease mechanism: loss of function.

Allele frequency attached by ClinVar (database versions not stated): gnomAD exomes below 0.00001; ExAC 0.00001.
gnomAD v4.1: 6 of 1,614,040 alleles (0.00037%); highest among the groups gnomAD compares: African/African-American, 0.0067%; no homozygotes.

Submissions (8):

Labcorp Genetics (formerly Invitae), Labcorp
Classification: Uncertain significance for Hereditary breast ovarian cancer syndrome. Last evaluated: 2025-08-07. Review status: criteria provided, single submitter. Criteria: Invitae Variant Classification Sherloc (09022015). Collection method: clinical testing. Allele origin: germline.
Comment: This sequence change replaces glycine, which is neutral and non-polar, with aspartic acid, which is acidic and polar, at codon 707 of the BRCA1 protein (p.Gly707Asp). This variant is present in population databases (rs80357192, gnomAD 0.0009%). This missense change has been observed in individual(s) with breast cancer (PMID: 10923033). ClinVar contains an entry for this variant (Variation ID: 54468). Invitae Evidence Modeling of protein sequence and biophysical properties (such as structural, functional, and spatial information, amino acid conservation, physicochemical variation, residue mobility, and thermodynamic stability) indicates that this missense variant is not expected to disrupt BRCA1 protein function with a negative predictive value of 80%. In summary, the available evidence is currently insufficient to determine the role of this variant in disease. Therefore, it has been classified as a Variant of Uncertain Significance.

Women's Health and Genetics/Laboratory Corporation of America, LabCorp
Classification: Uncertain significance. Last evaluated: 2024-09-30. Review status: criteria provided, single submitter. Criteria: LabCorp Variant Classification Summary - May 2015. Collection method: clinical testing. Allele origin: germline.
Comment: Variant summary: BRCA1 c.2120G>A (p.Gly707Asp) results in a non-conservative amino acid change in the encoded protein sequence. Four of five in-silico tools predict a benign effect of the variant on protein function. The variant allele was found at a frequency of 4e-06 in 251200 control chromosomes. The available data on variant occurrences in the general population are insufficient to allow any conclusion about variant significance. To our knowledge, no occurrence of c.2120G>A in individuals affected with Hereditary Breast And Ovarian Cancer Syndrome and no experimental evidence demonstrating its impact on protein function have been reported. ClinVar contains an entry for this variant (Variation ID: 54468). Based on the evidence outlined above, the variant was classified as uncertain significance.

GeneDx
Classification: Uncertain significance. Last evaluated: 2024-06-24. Review status: criteria provided, single submitter. Criteria: GeneDx Variant Classification Process June 2021. Collection method: clinical testing. Allele origin: germline. Affected: yes.
Comment: Not observed at significant frequency in large population cohorts (gnomAD); In silico analysis supports that this missense variant has a deleterious effect on protein structure/function; Has not been previously published as pathogenic or benign to our knowledge; Also known as 2239G>A; This variant is associated with the following publications: (PMID: 15343273, 35464868, 35585550, 29884841, 32377563)

Ambry Genetics
Classification: Uncertain significance for Hereditary cancer-predisposing syndrome. Last evaluated: 2024-02-10. Review status: criteria provided, single submitter. Criteria: Ambry Variant Classification Scheme 2023. Collection method: clinical testing. Allele origin: germline.
Comment: The p.G707D variant (also known as c.2120G>A), located in coding exon 9 of the BRCA1 gene, results from a G to A substitution at nucleotide position 2120. The glycine at codon 707 is replaced by aspartic acid, an amino acid with similar properties. This amino acid position is poorly conserved in available vertebrate species. In addition, the in silico prediction for this alteration is inconclusive. Since supporting evidence is limited at this time, the clinical significance of this alteration remains unclear.

University of Washington Department of Laboratory Medicine, University of Washington
Classification: Likely benign for Hereditary cancer-predisposing syndrome. Last evaluated: 2023-03-23. Review status: criteria provided, single submitter. Criteria: Dines et al. (Genet Med. 2020). Collection method: curation. Allele origin: germline.
Comment: Missense variant in a coldspot region where missense variants are very unlikely to be pathogenic (PMID:31911673).

BRCA1 coldspot (exon 11 using historical exon numbering). Reclassification based on statistical prior probability

National Health Laboratory Service, Universitas Academic Hospital and University of the Free State
Classification: Likely benign for Hereditary breast ovarian cancer syndrome. Last evaluated: 2022-04-19. Review status: criteria provided, single submitter. Criteria: ACMG Guidelines, 2015. Collection method: clinical testing. Allele origin: germline. Affected: yes. Observed: 9 variant alleles.

Color Diagnostics, LLC DBA Color Health
Classification: Uncertain significance for Hereditary cancer-predisposing syndrome. Last evaluated: 2019-03-20. Review status: criteria provided, single submitter. Criteria: ACMG Guidelines, 2015. Collection method: clinical testing. Allele origin: germline.

Breast Cancer Information Core (BIC) (BRCA1)
Classification: Uncertain significance for Breast-ovarian cancer, familial 1. Last evaluated: 2003-12-23. Review status: no assertion criteria provided. Collection method: clinical testing. Allele origin: germline. Affected: yes. Observed: 1 variant allele. Not counted in ClinVar's aggregate classification.

Literature cited by the submitters: PubMed 10923033 (cited by Labcorp Genetics (formerly Invitae), Labcorp); DOI 10.3389/fgene.2022.834265 (cited by National Health Laboratory Service, Universitas Academic Hospital and University of the Free State).

NM_007294.4(BRCA1):c.2120G>A (p.Gly707Asp)

Gene: BRCA1 (BRCA1 DNA repair associated; minus strand). Cytogenetic location: 17q21.31.
Variant type: single nucleotide variant.
Coding change: c.2120G>A on transcript NM_007294.4 (MANE Select); coding-DNA position 2120, G replaced by A.
Protein change: p.Gly707Asp; replaces glycine 707 with aspartic acid.
Molecular consequence: missense variant. On other transcripts: intron variant (137).
Genome position (GRCh38, 1-based): chr17:43,093,411, C>T on the plus strand (G>A on the coding strand, the complement: BRCA1 is on the minus strand). VCF-style: chr17-43093411-C-T. GRCh37 (hg19) VCF-style: chr17-41245428-C-T.
Other names: NP_009225.1:p.Gly707Asp; c.2117G>A, p.Gly706Asp (NM_001407644.1, NM_001407645.1, NM_001407860.1 and 22 more transcripts); c.2111G>A, p.Gly704Asp (NM_001407646.1, NM_001407647.1); c.1997G>A, p.Gly666Asp (NM_001407648.1, NM_001407664.1, NM_001407665.1 and 19 more transcripts); c.1994G>A, p.Gly665Asp (NM_001407649.1, NM_001407670.1, NM_001407671.1 and 11 more transcripts); c.2120G>A, p.Gly707Asp (NM_001407652.1, NM_001407684.1, NM_001407854.1 and 30 more transcripts); c.2042G>A, p.Gly681Asp (NM_001407653.1, NM_001407654.1, NM_001407655.1 and 4 more transcripts); c.2039G>A, p.Gly680Asp (NM_001407659.1, NM_001407660.1, NM_001407661.1 and 1 more transcripts); and 42 more; short protein forms G707D, G660D, G596D, G618D, G640D, G659D, G665D, G666D.
Identifiers: ClinVar variation 54468 (VCV000054468.37), dbSNP rs80357192, ClinGen allele CA001399.